The following is an entry in ClinVar:

ClinVar aggregate classification (germline): Uncertain significance. Review status: criteria provided, multiple submitters, no conflicts (2 of 4 stars). 3 submissions from 3 submitters: Uncertain significance (3). Last evaluated 2024-11-07.

Conditions:
Merosin deficient congenital muscular dystrophy (MDC1A). Also called: Congenital merosin-deficient muscular dystrophy 1A; Congenital Muscular Dystrophy Type 1A (MDC1A). Identifiers: Orphanet 258, MedGen C1263858, MONDO:0011925, OMIM 607855.
Muscular dystrophy, limb-girdle, autosomal recessive 23. Identifiers: Orphanet 565837, MedGen C4748327, MONDO:0029136, OMIM 618138.
LAMA2-related muscular dystrophy (LAMA2-RD). Also called: Laminin alpha 2-related dystrophy. Identifiers: MedGen C5679788, MONDO:0100228.
Inborn genetic diseases. Identifiers: MedGen C0950123, MeSH D030342.

Allele frequency attached by ClinVar (database versions not stated): ESP Exome Variant Server 0.00015.
gnomAD v4.1: 11 of 1,613,472 alleles (0.00068%); highest among the groups gnomAD compares: African/African-American, 0.013%; no homozygotes.

Submissions (3):

Ambry Genetics
Classification: Uncertain significance for Inborn genetic diseases. Last evaluated: 2024-11-07. Review status: criteria provided, single submitter. Criteria: Ambry Variant Classification Scheme 2023. Collection method: clinical testing. Allele origin: germline.

Fulgent Genetics
Classification: Uncertain significance for Merosin deficient congenital muscular dystrophy; Muscular dystrophy, limb-girdle, autosomal recessive 23. Last evaluated: 2021-11-03. Review status: criteria provided, single submitter. Criteria: ACMG Guidelines, 2015. Collection method: clinical testing. Allele origin: unknown.

Labcorp Genetics (formerly Invitae), Labcorp
Classification: Uncertain significance for LAMA2-related muscular dystrophy. Last evaluated: 2021-09-01. Review status: criteria provided, single submitter. Criteria: Invitae Variant Classification Sherloc (09022015). Collection method: clinical testing. Allele origin: germline.
Comment: This sequence change replaces glycine with serine at codon 945 of the LAMA2 protein (p.Gly945Ser). The glycine residue is highly conserved and there is a small physicochemical difference between glycine and serine. This variant is present in population databases (rs372574661, ExAC 0.04%). This variant has not been reported in the literature in individuals affected with LAMA2-related conditions. Advanced modeling of protein sequence and biophysical properties (such as structural, functional, and spatial information, amino acid conservation, physicochemical variation, residue mobility, and thermodynamic stability) performed at Invitae indicates that this missense variant is not expected to disrupt LAMA2 protein function. In summary, the available evidence is currently insufficient to determine the role of this variant in disease. Therefore, it has been classified as a Variant of Uncertain Significance.

NM_000426.4(LAMA2):c.2833G>A (p.Gly945Ser)

Gene: LAMA2 (laminin subunit alpha 2; plus strand). Cytogenetic location: 6q22.33.
Variant type: single nucleotide variant.
Coding change: c.2833G>A on transcript NM_000426.4 (MANE Select); coding-DNA position 2833, G replaced by A.
Protein change: p.Gly945Ser; replaces glycine 945 with serine.
Molecular consequence: missense variant.
Genome position (GRCh38, 1-based): chr6:129,291,697, G>A. VCF-style: chr6-129291697-G-A. GRCh37 (hg19) VCF-style: chr6-129612842-G-A.
Other names: c.2833G>A, p.Gly945Ser (NM_001079823.2); c.2833G>A (NM_000426.3); short protein forms G945S.
Identifiers: ClinVar variation 1473958 (VCV001473958.7), dbSNP rs372574661, ClinGen allele CA3993070.